The following is an entry in ClinVar:

NM_000257.4(MYH7):c.645C>T (p.Thr215=)

Gene: MYH7 (myosin heavy chain 7; minus strand). Cytogenetic location: 14q11.2.
Variant type: single nucleotide variant.
Coding change: c.645C>T on transcript NM_000257.4 (MANE Select); coding-DNA position 645, C replaced by T.
Protein change: p.Thr215=; no amino-acid change (threonine 215 retained).
Molecular consequence: synonymous variant.
Genome position (GRCh38, 1-based): chr14:23,431,672, G>A on the plus strand (C>T on the coding strand, the complement: MYH7 is on the minus strand). VCF-style: chr14-23431672-G-A. GRCh37 (hg19) VCF-style: chr14-23900881-G-A.
Identifiers: ClinVar variation 1115785 (VCV001115785.10), dbSNP rs1371181685, ClinGen allele CA485767369.
Genomic context (GRCh38, chr14:23,431,672, plus strand): 5'-GGTCTTGGCATTGCCAAAGGCCTCCAGAGCAGGGTTGGCCTGGATGATCTGGTCCTCCAG[G>A]GTGCCCTGCAGAGGCCAAGAAGGAGGCAGGTGAGAGCTCTTCTCCCTCCCTTTCTGCGGT-3'
Protein context (NP_000248.2, residues 205-225): SKKDQSPGKG[Thr215=]LEDQIIQANP

ClinVar aggregate classification (germline): Likely benign. Review status: criteria provided, multiple submitters, no conflicts (2 of 4 stars). 3 submissions from 3 submitters: Likely benign (3). Last evaluated 2026-01-25.

Conditions:
Cardiomyopathy (CMYO). Also called: Cardiomyopathies. Identifiers: Orphanet 167848, MedGen C0878544, MONDO:0004994, HP:0001638. Inheritance: Various modes of inheritance.
Hypertrophic cardiomyopathy. Also called: HYPERTROPHIC MYOCARDIOPATHY. Identifiers: Orphanet 217569, MedGen C0007194, MeSH D002312, MONDO:0005045, HP:0001639.

Allele frequency attached by ClinVar (database versions not stated): gnomAD exomes 0.00001 and below 0.00001; gnomAD 0.00001.

Submissions (3):

Labcorp Genetics (formerly Invitae), Labcorp
Classification: Likely benign for Hypertrophic cardiomyopathy. Last evaluated: 2026-01-25. Review status: criteria provided, single submitter. Criteria: Invitae Variant Classification Sherloc (09022015). Collection method: clinical testing. Allele origin: germline.

All of Us Research Program, National Institutes of Health
Classification: Likely benign for Cardiomyopathy. Last evaluated: 2023-10-23. Review status: criteria provided, single submitter. Criteria: ACMG Guidelines, 2015. Collection method: clinical testing. Allele origin: germline. Inheritance: Autosomal dominant inheritance. Observed: 2 variant alleles, 2 heterozygotes.
Comment: This study involves interpretation of variants in research participants for the purpose of population health screening. Participant phenotype was not available at the time of variant classification. Additional details can be found in publication PMID: 35346344, PMCID: PMC8962531

Color Diagnostics, LLC DBA Color Health
Classification: Likely benign for Cardiomyopathy. Last evaluated: 2022-11-06. Review status: criteria provided, single submitter. Criteria: ACMG Guidelines, 2015. Collection method: clinical testing. Allele origin: germline.